The following is an entry in ClinVar:

NM_003482.4(KMT2D):c.7573G>T (p.Gly2525Cys)

Gene: KMT2D (lysine methyltransferase 2D; minus strand). Cytogenetic location: 12q13.12.
Variant type: single nucleotide variant.
Coding change: c.7573G>T on transcript NM_003482.4 (MANE Select); coding-DNA position 7573, G replaced by T.
Protein change: p.Gly2525Cys; replaces glycine 2525 with cysteine.
Molecular consequence: missense variant.
Genome position (GRCh38, 1-based): chr12:49,040,197, C>A on the plus strand (G>T on the coding strand, the complement: KMT2D is on the minus strand). VCF-style: chr12-49040197-C-A. GRCh37 (hg19) VCF-style: chr12-49433980-C-A.
Other names: short protein forms G2525C.
Identifiers: ClinVar variation 2112681 (VCV002112681.5), dbSNP rs2120523873, ClinGen allele CA384747438.

ClinVar aggregate classification (germline): Conflicting classifications of pathogenicity. Review status: criteria provided, conflicting classifications (1 of 4 stars). 2 submissions from 2 submitters: Uncertain significance (1); Likely benign (1). Last evaluated 2025-12-23.

Conditions:
Kabuki syndrome. Also called: NIIKAWA-KUROKI SYNDROME; Kabuki make-up syndrome. Identifiers: Orphanet 2322, MedGen C0796004, MONDO:0016512.
KMT2D-related disorder. Also called: KMT2D-Related Disorders.

Submissions (2):

PreventionGenetics, part of Exact Sciences
Classification: Uncertain significance for KMT2D-related condition. Last evaluated: 2025-12-23. Review status: criteria provided, single submitter. Criteria: ACMG Guidelines, 2015. Collection method: clinical testing. Allele origin: germline.
Comment: The KMT2D c.7573G>T variant is predicted to result in the amino acid substitution p.Gly2525Cys. To our knowledge, this variant has not been reported in the literature or in a large population database (gnomAD), indicating this variant is rare. At this time, the clinical significance of this variant is uncertain due to the absence of conclusive functional and genetic evidence.

Labcorp Genetics (formerly Invitae), Labcorp
Classification: Likely benign for Kabuki syndrome. Last evaluated: 2023-11-27. Review status: criteria provided, single submitter. Criteria: Invitae Variant Classification Sherloc (09022015). Collection method: clinical testing. Allele origin: germline.